The following is an entry in ClinVar:

ClinVar aggregate classification (germline): Pathogenic (1 of 4 stars; one submission).

Conditions:
TP63-Related Spectrum Disorders.

Submission:

Labcorp Genetics (formerly Invitae), Labcorp
Classification: Pathogenic. Last evaluated: 2018-07-02. Review status: criteria provided, single submitter. Criteria: Invitae Variant Classification Sherloc (09022015). Collection method: clinical testing. Allele origin: germline.
Comment: This variant is not present in population databases (ExAC no frequency). For these reasons, this variant has been classified as Pathogenic. Experimental studies and prediction algorithms are not available for this variant, and the functional significance of the disrupted amino acids is currently unknown. This variant, c.698_700delAAG, results in the deletion of two amino acids from the TP63 protein, along with the insertion of a new amino acid (p.Lys233_Ala234delinsThr), but otherwise preserves the integrity of the reading frame.

NM_003722.5(TP63):c.698_700del (p.Lys233_Ala234delinsThr)

Gene: TP63 (tumor protein p63; plus strand). Cytogenetic location: 3q28.
Variant type: Deletion.
Coding change: c.698_700del on transcript NM_003722.5 (MANE Select); coding-DNA positions 698 to 700, 3 bases deleted (AAG; older notation c.698_700delAAG).
Protein change: p.Lys233_Ala234delinsThr.
Molecular consequence: inframe indel.
Genome position (GRCh38, 1-based): chr3:189,864,350-189,864,352, AAG deleted. VCF-style (leftmost placement, unchanged base first): chr3-189864349-AAAG-A. GRCh37 (hg19) VCF-style: chr3-189582138-AAAG-A.
Other names: c.698_700del, p.Lys233_Ala234delinsThr (NM_001114978.2, NM_001114979.2, NM_001329144.2 and 1 more transcripts); c.416_418del, p.Lys139_Ala140delinsThr (NM_001114980.2, NM_001114981.2, NM_001114982.2 and 2 more transcripts); c.161_163del, p.Lys54_Ala55delinsThr (NM_001329146.2, NM_001329150.2); c.692_694del, p.Lys231_Ala232delinsThr (NM_001329964.2).
Identifiers: ClinVar variation 571116 (VCV000571116.4), dbSNP rs1560274283, ClinGen allele CA891843050.